The following is an entry in ClinVar:

ClinVar aggregate classification (germline): Benign/Likely benign. Review status: criteria provided, multiple submitters, no conflicts (2 of 4 stars). 6 submissions from 6 submitters: Benign (2); Likely benign (3). 1 of the submissions does not count toward it. Last evaluated 2025-10-28.

Conditions:
NEXMIF-related disorder. Also called: NEXMIF-related condition.

Allele frequency attached by ClinVar (database versions not stated): gnomAD exomes 0.00046 and 0.00085; TOPMed 0.00048; gnomAD 0.00054 and 0.00055; ExAC 0.00090; ESP Exome Variant Server 0.00133.
gnomAD v4.1: 578 of 1,209,683 alleles (0.048%); highest among the groups gnomAD compares: Non-Finnish European, 0.022%; 1 homozygote.

Submissions (6):

Labcorp Genetics (formerly Invitae), Labcorp
Classification: Benign. Last evaluated: 2025-10-28. Review status: criteria provided, single submitter. Criteria: Invitae Variant Classification Sherloc (09022015). Collection method: clinical testing. Allele origin: germline.

Blueprint Genetics
Classification: Likely benign. Last evaluated: 2024-10-14. Review status: criteria provided, single submitter. Criteria: ACMG Guidelines, 2015. Collection method: clinical testing. Allele origin: germline.

CeGaT Center for Human Genetics Tuebingen
Classification: Likely benign. Last evaluated: 2020-12-01. Review status: criteria provided, single submitter. Criteria: CeGaT Center For Human Genetics Tuebingen Variant Classification Criteria Version 2. Collection method: clinical testing. Allele origin: germline. Affected: yes. Observed: 1 variant allele.

GeneDx
Classification: Benign. Last evaluated: 2019-07-19. Review status: criteria provided, single submitter. Criteria: GeneDx Variant Classification Process June 2021. Collection method: clinical testing. Allele origin: germline. Affected: yes.

Ambry Genetics
Classification: Likely benign. Last evaluated: 2016-11-01. Review status: criteria provided, single submitter. Criteria: Ambry Variant Classification Scheme 2023. Collection method: clinical testing. Allele origin: germline.

PreventionGenetics, part of Exact Sciences
Classification: Benign for NEXMIF-related condition. Last evaluated: 2019-07-12. Review status: no assertion criteria provided. Collection method: clinical testing. Allele origin: germline. Not counted in ClinVar's aggregate classification.
Comment: This variant is classified as benign based on ACMG/AMP sequence variant interpretation guidelines (Richards et al. 2015 PMID: 25741868, with internal and published modifications).

NM_001008537.3(NEXMIF):c.2139G>A (p.Glu713=)

Gene: NEXMIF (neurite extension and migration factor; minus strand). Cytogenetic location: Xq13.3.
Variant type: single nucleotide variant.
Coding change: c.2139G>A on transcript NM_001008537.3 (MANE Select); coding-DNA position 2139, G replaced by A.
Protein change: p.Glu713=; no amino-acid change (glutamic acid 713 retained).
Molecular consequence: synonymous variant.
Genome position (GRCh38, 1-based): chrX:74,742,418, C>T on the plus strand (G>A on the coding strand, the complement: NEXMIF is on the minus strand). VCF-style: chrX-74742418-C-T. GRCh37 (hg19) VCF-style: chrX-73962253-C-T.
Identifiers: ClinVar variation 541133 (VCV000541133.54), dbSNP rs139194076, ClinGen allele CA10455070.